The following is an entry in ClinVar:

NM_000179.3(MSH6):c.2575C>A (p.Leu859Ile)

Gene: MSH6 (mutS homolog 6; plus strand). Cytogenetic location: 2p16.3.
Variant type: single nucleotide variant.
Coding change: c.2575C>A on transcript NM_000179.3 (MANE Select); coding-DNA position 2575, C replaced by A.
Protein change: p.Leu859Ile; replaces leucine 859 with isoleucine.
Molecular consequence: missense variant. On other transcripts: non-coding transcript variant (5), intron variant (3).
Genome position (GRCh38, 1-based): chr2:47,800,558, C>A. VCF-style: chr2-47800558-C-A. GRCh37 (hg19) VCF-style: chr2-48027697-C-A.
Other names: c.2278C>A, p.Leu760Ile (NM_001406801.1, NM_001406805.1, NM_001406818.1 and 10 more transcripts); c.2671C>A, p.Leu891Ile (NM_001406802.1, NM_001406795.1); c.2497C>A, p.Leu833Ile (NM_001406804.1); c.2050C>A, p.Leu684Ile (NM_001406806.1, NM_001406807.1, NM_001406799.1); c.2575C>A, p.Leu859Ile (NM_001406808.1, NM_001406809.1, NM_001406796.1 and 2 more transcripts); c.1669C>A, p.Leu557Ile (NM_001406811.1, NM_001406812.1, NM_001406814.1 and 6 more transcripts); c.2581C>A, p.Leu861Ile (NM_001406813.1); c.2407C>A, p.Leu803Ile (NM_001406826.1); and 4 more; short protein forms L557I, L729I, L833I, L803I, L684I, L859I, L861I, L891I.
Identifiers: ClinVar variation 2696357 (VCV002696357.4), dbSNP rs1553413924, ClinGen allele CA346754759.

ClinVar aggregate classification (germline): Uncertain significance. Review status: criteria provided, multiple submitters, no conflicts (2 of 4 stars). 2 submissions from 2 submitters: Uncertain significance (2). Last evaluated 2024-08-01.

Conditions:
Hereditary nonpolyposis colorectal neoplasms. Identifiers: MedGen C0009405, MeSH D003123.
Hereditary cancer-predisposing syndrome. Also called: Neoplastic Syndromes, Hereditary; Tumor predisposition; Hereditary neoplastic syndrome; Hereditary Cancer Syndrome. Identifiers: Orphanet 140162, MedGen C0027672, MeSH D009386, MONDO:0015356.

gnomAD v4.1: 1 of 1,613,662 alleles (0.000062%); highest among the groups gnomAD compares: Non-Finnish European, 0.000085%; no homozygotes.

Submissions (2):

Ambry Genetics
Classification: Uncertain significance for Hereditary cancer-predisposing syndrome. Last evaluated: 2024-08-01. Review status: criteria provided, single submitter. Criteria: Ambry Variant Classification Scheme 2023. Collection method: clinical testing. Allele origin: germline.
Comment: The p.L859I variant (also known as c.2575C>A), located in coding exon 4 of the MSH6 gene, results from a C to A substitution at nucleotide position 2575. The leucine at codon 859 is replaced by isoleucine, an amino acid with highly similar properties. This amino acid position is conserved. In addition, the in silico prediction for this alteration is inconclusive. Based on the available evidence, the clinical significance of this variant remains unclear.

Labcorp Genetics (formerly Invitae), Labcorp
Classification: Uncertain significance for Hereditary nonpolyposis colorectal neoplasms. Last evaluated: 2023-11-16. Review status: criteria provided, single submitter. Criteria: Invitae Variant Classification Sherloc (09022015). Collection method: clinical testing. Allele origin: germline.
Comment: This sequence change replaces leucine, which is neutral and non-polar, with isoleucine, which is neutral and non-polar, at codon 859 of the MSH6 protein (p.Leu859Ile). This variant is not present in population databases (gnomAD no frequency). This variant has not been reported in the literature in individuals affected with MSH6-related conditions. Advanced modeling of protein sequence and biophysical properties (such as structural, functional, and spatial information, amino acid conservation, physicochemical variation, residue mobility, and thermodynamic stability) performed at Invitae indicates that this missense variant is not expected to disrupt MSH6 protein function with a negative predictive value of 95%. In summary, the available evidence is currently insufficient to determine the role of this variant in disease. Therefore, it has been classified as a Variant of Uncertain Significance.